The following is an entry in ClinVar:

ClinVar aggregate classification (germline): Likely pathogenic (1 of 4 stars; one submission).

Conditions:
Glycogen storage disease type III (GSD3). Also called: FORBES DISEASE; Cori disease. Identifiers: Orphanet 366, MedGen C0017922, MONDO:0009291, OMIM 232400.

Submission:

Myriad Genetics, Inc.
Classification: Likely pathogenic for Glycogen storage disease type III. Last evaluated: 2021-12-17. Review status: criteria provided, single submitter. Criteria: Myriad Women's Health Autosomal Recessive and X-Linked Classification Criteria (2021). Collection method: clinical testing. Allele origin: unknown.
Comment: NM_000642.2(AGL):c.2011delG(V671Ffs*59) is expected to be pathogenic in the context of glycogen storage disease type III. This variant is predicted to lead to an abnormal or absent protein product due to the creation of a premature termination codon in AGL, a gene where loss-of-function variants are known to be pathogenic. Please note: this variant was assessed in the context of healthy population screening.

NM_000642.3(AGL):c.2011del (p.Val671fs)

Gene: AGL (amylo-alpha-1,6-glucosidase and 4-alpha-glucanotransferase; plus strand). Cytogenetic location: 1p21.2.
Variant type: Deletion.
Coding change: c.2011del on transcript NM_000642.3 (MANE Select); coding-DNA position 2011, one base deleted (G; older notation c.2011delG).
Protein change: p.Val671fs; shifts the reading frame from valine 671.
Molecular consequence: frameshift variant.
Genome position (GRCh38, 1-based): chr1:99,881,301, G deleted; the last of 2 consecutive G bases (chr1:99,881,300-99,881,301); deleting either gives the same sequence. VCF-style (leftmost placement, unchanged base first): chr1-99881299-TG-T. GRCh37 (hg19) VCF-style: chr1-100346855-TG-T.
Other names: c.2011delG, p.Val671Phefs (NM_000643.3, NM_000644.3, NM_001425325.1 and 2 more transcripts); c.1963delG, p.Val655Phefs (NM_000646.3); c.1810delG, p.Val604Phefs (NM_001425327.1); c.1807delG, p.Val603Phefs (NM_001425328.1, NM_001425329.1); c.1633delG, p.Val545Phefs (NM_001425332.1); short protein forms V655fs, V671fs.
Identifiers: ClinVar variation 1726445 (VCV001726445.2), dbSNP rs2524650493, ClinGen allele CA2580063403.